The following is an entry in ClinVar:

ClinVar aggregate classification (germline): Uncertain significance (1 of 4 stars; one submission).

Conditions:
Alpha thalassemia-X-linked intellectual disability syndrome (ATRX). Also called: ALPHA-THALASSEMIA/MENTAL RETARDATION SYNDROME, X-LINKED; ATR, NONDELETION TYPE; X-linked alpha-thalassemia-mental retardation syndrome; ATR-X syndrome; Alpha thalassemia mental retardation syndrome, nondeletion type, X-linked; XLMR hypotonic face syndrome. Identifiers: Orphanet 847, MedGen C1845055, MONDO:0010519, OMIM 301040.

Submission:

Labcorp Genetics (formerly Invitae), Labcorp
Classification: Uncertain significance for Alpha thalassemia-X-linked intellectual disability syndrome. Last evaluated: 2022-10-21. Review status: criteria provided, single submitter. Criteria: Invitae Variant Classification Sherloc (09022015). Collection method: clinical testing. Allele origin: germline.
Comment: This sequence change replaces arginine, which is basic and polar, with histidine, which is basic and polar, at codon 2153 of the ATRX protein (p.Arg2153His). This variant is not present in population databases (gnomAD no frequency). This variant has not been reported in the literature in individuals affected with ATRX-related conditions. Advanced modeling of protein sequence and biophysical properties (such as structural, functional, and spatial information, amino acid conservation, physicochemical variation, residue mobility, and thermodynamic stability) performed at Invitae indicates that this missense variant is expected to disrupt ATRX protein function. In summary, the available evidence is currently insufficient to determine the role of this variant in disease. Therefore, it has been classified as a Variant of Uncertain Significance.

NM_000489.6(ATRX):c.6458G>A (p.Arg2153His)

Gene: ATRX (ATRX chromatin remodeler; minus strand). Cytogenetic location: Xq21.1.
Variant type: single nucleotide variant.
Coding change: c.6458G>A on transcript NM_000489.6 (MANE Select); coding-DNA position 6458, G replaced by A.
Protein change: p.Arg2153His; replaces arginine 2153 with histidine.
Molecular consequence: missense variant.
Genome position (GRCh38, 1-based): chrX:77,558,715, C>T on the plus strand (G>A on the coding strand, the complement: ATRX is on the minus strand). VCF-style: chrX-77558715-C-T. GRCh37 (hg19) VCF-style: chrX-76814186-C-T.
Other names: c.6344G>A, p.Arg2115His (NM_138270.5); short protein forms R2115H, R2153H.
Identifiers: ClinVar variation 1722014 (VCV001722014.6), dbSNP rs2147947599, ClinGen allele CA413699068.
Genomic context (GRCh38, chrX:77,558,715, plus strand): 5'-AATTATAAACCTACCTGAGCTAAGAACCTATATACATAAACAGGCTTAGTTTGTCCAAAG[C>T]GATAAACTCTGAATATACTCTGGATGTCATAAGATGGATTCCAAGAAGCGTCGAATATAA-3'
Protein context (NP_000480.3, residues 2143-2163): YDIQSIFRVY[Arg2153His]FGQTKPVYVY